The following is an entry in ClinVar:

NM_206933.4(USH2A):c.1799G>C (p.Gly600Ala)

Gene: USH2A (usherin; minus strand). Cytogenetic location: 1q41.
Variant type: single nucleotide variant.
Coding change: c.1799G>C on transcript NM_206933.4 (MANE Select); coding-DNA position 1799, G replaced by C.
Protein change: p.Gly600Ala; replaces glycine 600 with alanine.
Molecular consequence: missense variant.
Genome position (GRCh38, 1-based): chr1:216,292,216, C>G on the plus strand (G>C on the coding strand, the complement: USH2A is on the minus strand). VCF-style: chr1-216292216-C-G. GRCh37 (hg19) VCF-style: chr1-216465558-C-G.
Other names: c.1799G>C, p.Gly600Ala (NM_007123.6); short protein forms G600A.
Identifiers: ClinVar variation 505040 (VCV000505040.15), dbSNP rs772955674, ClinGen allele CA1396401.

ClinVar aggregate classification (germline): Conflicting classifications of pathogenicity. Review status: criteria provided, conflicting classifications (1 of 4 stars). 3 submissions from 3 submitters: Uncertain significance (2); Likely benign (1). Last evaluated 2025-07-29.

Allele frequency attached by ClinVar (database versions not stated): gnomAD below 0.00001 and 0.00002; gnomAD exomes 0.00007; ExAC 0.00008.
gnomAD v4.1: 63 of 1,614,076 alleles (0.0039%); highest among the groups gnomAD compares: South Asian, 0.036%; no homozygotes.

Submissions (3):

Labcorp Genetics (formerly Invitae), Labcorp
Classification: Likely benign. Last evaluated: 2025-07-29. Review status: criteria provided, single submitter. Criteria: Invitae Variant Classification Sherloc (09022015). Collection method: clinical testing. Allele origin: germline.

Blueprint Genetics
Classification: Uncertain significance. Last evaluated: 2024-08-26. Review status: criteria provided, single submitter. Criteria: ACMG Guidelines, 2015. Collection method: clinical testing. Allele origin: germline.

Laboratory for Molecular Medicine, Mass General Brigham Personalized Medicine
Classification: Uncertain significance. Last evaluated: 2016-05-13. Review status: criteria provided, single submitter. Criteria: LMM Criteria. Collection method: clinical testing. Allele origin: germline. Observed: 1 variant allele.
Comment: The p.Gly600Ala variant in USH2A has not been previously reported in individuals with hearing loss or Usher syndrome, but has been identified in 10/16512 of Sou th Asian chromosomes by the Exome Aggregation Consortium (ExAC; dbSNP rs772955674). Although this variant has been seen in the g eneral population, its frequency is not high enough to rule out a pathogenic rol e. Computational prediction tools and conservation analysis suggest that this va riant may impact the protein, though this information is not predictive enough t o determine pathogenicity. In summary, the clinical significance of the p.Gly600 Ala variant is uncertain.